The following is an entry in ClinVar:

NM_000038.6(APC):c.8032A>T (p.Asn2678Tyr)

Gene: APC (APC regulator of Wnt signaling pathway; plus strand). Cytogenetic location: 5q22.2.
Variant type: single nucleotide variant.
Coding change: c.8032A>T on transcript NM_000038.6 (MANE Select); coding-DNA position 8032, A replaced by T.
Protein change: p.Asn2678Tyr; replaces asparagine 2678 with tyrosine.
Molecular consequence: missense variant.
Genome position (GRCh38, 1-based): chr5:112,843,626, A>T. VCF-style: chr5-112843626-A-T. GRCh37 (hg19) VCF-style: chr5-112179323-A-T.
Other names: c.8032A>T, p.Asn2678Tyr (NM_001127510.3, NM_001354895.2); c.7978A>T, p.Asn2660Tyr (NM_001127511.3); c.8086A>T, p.Asn2696Tyr (NM_001354896.2); c.8062A>T, p.Asn2688Tyr (NM_001354897.2); c.7957A>T, p.Asn2653Tyr (NM_001354898.2); c.7948A>T, p.Asn2650Tyr (NM_001354899.2); c.7909A>T, p.Asn2637Tyr (NM_001354900.2); c.7855A>T, p.Asn2619Tyr (NM_001354901.2); and 5 more; short protein forms N2577Y, N2587Y, N2518Y, N2696Y, N2395Y, N2552Y, N2637Y, N2653Y.
Identifiers: ClinVar variation 827410 (VCV000827410.14), dbSNP rs1580689340, ClinGen allele CA16038774.
Genomic context (GRCh38, chr5:112,843,626, plus strand): 5'-TGGGTGAGAATTGAGGACTGTCCCATTAACAATCCTAGATCTGGAAGATCTCCCACAGGT[A>T]ATACTCCCCCGGTGATTGACAGTGTTTCAGAAAAGGCAAATCCAAACATTAAAGATTCAA-3'
Protein context (NP_000029.2, residues 2668-2688): NPRSGRSPTG[Asn2678Tyr]TPPVIDSVSE

ClinVar aggregate classification (germline): Uncertain significance. Review status: criteria provided, multiple submitters, no conflicts (2 of 4 stars). 2 submissions from 2 submitters: Uncertain significance (2). Last evaluated 2020-05-10.

Conditions:
Hereditary cancer-predisposing syndrome. Also called: Neoplastic Syndromes, Hereditary; Tumor predisposition; Hereditary neoplastic syndrome; Hereditary Cancer Syndrome. Identifiers: Orphanet 140162, MedGen C0027672, MeSH D009386, MONDO:0015356.
Familial adenomatous polyposis 1 (FAP1). Also called: POLYPOSIS, ADENOMATOUS INTESTINAL; FAMILIAL ADENOMATOUS POLYPOSIS 1, ATTENUATED. Identifiers: MedGen C2713442, MONDO:0021056, OMIM 175100. Disease mechanism: loss of function.

Submissions (2):

Labcorp Genetics (formerly Invitae), Labcorp
Classification: Uncertain significance for Familial adenomatous polyposis 1. Last evaluated: 2020-05-10. Review status: criteria provided, single submitter. Criteria: Invitae Variant Classification Sherloc (09022015). Collection method: clinical testing. Allele origin: germline.
Comment: In summary, the available evidence is currently insufficient to determine the role of this variant in disease. Therefore, it has been classified as a Variant of Uncertain Significance. This sequence change replaces asparagine with tyrosine at codon 2678 of the APC protein (p.Asn2678Tyr). The asparagine residue is highly conserved and there is a large physicochemical difference between asparagine and tyrosine. This variant is not present in population databases (ExAC no frequency). This variant has not been reported in the literature in individuals with APC-related conditions. ClinVar contains an entry for this variant (Variation ID: 827410). Algorithms developed to predict the effect of missense changes on protein structure and function are either unavailable or do not agree on the potential impact of this missense change (SIFT: "Deleterious"; PolyPhen-2: "Probably Damaging"; Align-GVGD: "Class C15").

Ambry Genetics
Classification: Uncertain significance for Hereditary cancer-predisposing syndrome. Last evaluated: 2018-12-28. Review status: criteria provided, single submitter. Criteria: Ambry Variant Classification Scheme 2023. Collection method: clinical testing. Allele origin: germline.
Comment: The p.N2678Y variant (also known as c.8032A>T), located in coding exon 15 of the APC gene, results from an A to T substitution at nucleotide position 8032. The asparagine at codon 2678 is replaced by tyrosine, an amino acid with dissimilar properties. This amino acid position is well conserved in available vertebrate species. In addition, in silico predictors for this gene do not accurately predict pathogenicity. Since supporting evidence is limited at this time, the clinical significance of this alteration remains unclear.